The following is an entry in ClinVar:

NM_001018005.2(TPM1):c.705T>C (p.Ala235=)

Gene: TPM1 (tropomyosin 1; plus strand). Cytogenetic location: 15q22.2.
Variant type: single nucleotide variant.
Coding change: c.705T>C on transcript NM_001018005.2 (MANE Select); coding-DNA position 705, T replaced by C.
Protein change: p.Ala235=; no amino-acid change (alanine 235 retained).
Molecular consequence: synonymous variant.
Genome position (GRCh38, 1-based): chr15:63,062,578, T>C. VCF-style: chr15-63062578-T-C. GRCh37 (hg19) VCF-style: chr15-63354777-T-C.
Other names: c.705T>C, p.Ala235= (NM_000366.6, NM_001018004.2, NM_001018006.2 and 6 more transcripts); c.597T>C, p.Ala199= (NM_001018008.2, NM_001301289.2, NM_001330344.2 and 5 more transcripts); c.831T>C, p.Ala277= (NM_001365778.1).
Identifiers: ClinVar variation 508851 (VCV000508851.11), dbSNP rs1222579354, ClinGen allele CA490890127.

ClinVar aggregate classification (germline): Likely benign. Review status: criteria provided, multiple submitters, no conflicts (2 of 4 stars). 4 submissions from 4 submitters: Likely benign (4). Last evaluated 2025-12-01.

Conditions:
Cardiovascular phenotype. Identifiers: MedGen CN230736.
Hypertrophic cardiomyopathy. Also called: HYPERTROPHIC MYOCARDIOPATHY. Identifiers: Orphanet 217569, MedGen C0007194, MeSH D002312, MONDO:0005045, HP:0001639.
Cardiomyopathy (CMYO). Also called: Cardiomyopathies. Identifiers: Orphanet 167848, MedGen C0878544, MONDO:0004994, HP:0001638. Inheritance: Various modes of inheritance.

Allele frequency attached by ClinVar (database versions not stated): TOPMed below 0.00001; gnomAD 0.00001.
gnomAD v4.1: 2 of 1,614,014 alleles (0.00012%); highest among the groups gnomAD compares: Admixed American, 0.0017%; no homozygotes.

Submissions (4):

Labcorp Genetics (formerly Invitae), Labcorp
Classification: Likely benign for Hypertrophic cardiomyopathy. Last evaluated: 2025-12-01. Review status: criteria provided, single submitter. Criteria: Invitae Variant Classification Sherloc (09022015). Collection method: clinical testing. Allele origin: germline.

Color Diagnostics, LLC DBA Color Health
Classification: Likely benign for Cardiomyopathy. Last evaluated: 2025-08-15. Review status: criteria provided, single submitter. Criteria: ACMG Guidelines, 2015. Collection method: clinical testing. Allele origin: germline.

Ambry Genetics
Classification: Likely benign for Cardiovascular phenotype. Last evaluated: 2019-07-28. Review status: criteria provided, single submitter. Criteria: Ambry Variant Classification Scheme 2023. Collection method: clinical testing. Allele origin: germline.

GeneDx
Classification: Likely benign. Last evaluated: 2017-04-11. Review status: criteria provided, single submitter. Criteria: GeneDx Variant Classification (06012015). Collection method: clinical testing. Allele origin: germline. Affected: yes.
Comment: This variant is considered likely benign or benign based on one or more of the following criteria: it is a conservative change, it occurs at a poorly conserved position in the protein, it is predicted to be benign by multiple in silico algorithms, and/or has population frequency not consistent with disease.